The following is an entry in ClinVar:

ClinVar aggregate classification (germline): Uncertain significance. Review status: criteria provided, multiple submitters, no conflicts (2 of 4 stars). 3 submissions from 3 submitters: Uncertain significance (3). Last evaluated 2026-05-23.

Conditions:
Hereditary cancer-predisposing syndrome. Also called: Tumor predisposition; Hereditary neoplastic syndrome; Neoplastic Syndromes, Hereditary; Hereditary Cancer Syndrome. Identifiers: Orphanet 140162, MedGen C0027672, MeSH D009386, MONDO:0015356.
Rhabdoid tumor predisposition syndrome 2 (RTPS2). Identifiers: Orphanet 231108, Orphanet 69077, MedGen C2750074, MONDO:0013224, OMIM 613325.

Allele frequency attached by ClinVar (database versions not stated): gnomAD 0.00001.
gnomAD v4.1: 5 of 1,603,074 alleles (0.00031%); highest among the groups gnomAD compares: Non-Finnish European, 0.00026%; no homozygotes.

Submissions (3):

Ambry Genetics
Classification: Uncertain significance for Hereditary cancer-predisposing syndrome. Last evaluated: 2026-05-23. Review status: criteria provided, single submitter. Criteria: Ambry Variant Classification Scheme 2023. Collection method: clinical testing. Allele origin: germline.

Labcorp Genetics (formerly Invitae), Labcorp
Classification: Uncertain significance for Rhabdoid tumor predisposition syndrome 2. Last evaluated: 2025-11-24. Review status: criteria provided, single submitter. Criteria: Invitae Variant Classification Sherloc (09022015). Collection method: clinical testing. Allele origin: germline.
Comment: This sequence change replaces leucine, which is neutral and non-polar, with phenylalanine, which is neutral and non-polar, at codon 1414 of the SMARCA4 protein (p.Leu1414Phe). This variant is not present in population databases (gnomAD no frequency). This variant has not been reported in the literature in individuals affected with SMARCA4-related conditions. ClinVar contains an entry for this variant (Variation ID: 480579). An algorithm developed to predict the effect of missense changes on protein structure and function (PolyPhen-2) suggests that this variant is likely to be tolerated. In summary, the available evidence is currently insufficient to determine the role of this variant in disease. Therefore, it has been classified as a Variant of Uncertain Significance.

GeneDx
Classification: Uncertain significance. Last evaluated: 2023-03-06. Review status: criteria provided, single submitter. Criteria: GeneDx Variant Classification Process June 2021. Collection method: clinical testing. Allele origin: germline. Affected: yes.
Comment: Not observed at significant frequency in large population cohorts (gnomAD); In silico analysis supports that this missense variant does not alter protein structure/function; Has not been previously published as pathogenic or benign to our knowledge

NM_001387283.1(SMARCA4):c.4240C>T (p.Leu1414Phe)

Gene: SMARCA4 (SWI/SNF related BAF chromatin remodeling complex subunit ATPase 4; plus strand). Cytogenetic location: 19p13.2.
Variant type: single nucleotide variant.
Coding change: c.4240C>T on transcript NM_001387283.1 (MANE Plus Clinical); coding-DNA position 4240, C replaced by T.
Protein change: p.Leu1414Phe; replaces leucine 1414 with phenylalanine.
Molecular consequence: missense variant. On other transcripts: intron variant (7).
Genome position (GRCh38, 1-based): chr19:11,039,527, C>T. VCF-style: chr19-11039527-C-T. GRCh37 (hg19) VCF-style: chr19-11150203-C-T.
Other names: c.4240C>T, p.Leu1414Phe (NM_001128849.3); c.4171-1780C>T (NM_001128844.3, NM_003072.5); c.4072-1780C>T (NM_001128847.4, NM_001374457.1, NM_001128848.2); c.4072-1771C>T (NM_001128845.2, NM_001128846.2); short protein forms L1414F.
Identifiers: ClinVar variation 480579 (VCV000480579.17), dbSNP rs746165832, ClinGen allele CA404071694.